The following is an entry in ClinVar:

ClinVar aggregate classification (germline): Uncertain significance (1 of 4 stars; one submission).

Conditions:
Inosine triphosphatase deficiency. Also called: INOSINE TRIPHOSPHATE PYROPHOSPHOHYDROLASE DEFICIENCY. Identifiers: MedGen C0342800, MONDO:0013461, OMIM 613850.

Submission:

Labcorp Genetics (formerly Invitae), Labcorp
Classification: Uncertain significance for Inosine triphosphatase deficiency. Last evaluated: 2022-09-06. Review status: criteria provided, single submitter. Criteria: Invitae Variant Classification Sherloc (09022015). Collection method: clinical testing. Allele origin: germline.
Comment: Experimental studies and prediction algorithms are not available or were not evaluated, and the functional significance of this variant is currently unknown. In summary, the available evidence is currently insufficient to determine the role of this variant in disease. Therefore, it has been classified as a Variant of Uncertain Significance. ClinVar contains an entry for this variant (Variation ID: 661793). This variant has not been reported in the literature in individuals affected with ITPA-related conditions. Information on the frequency of this variant in the gnomAD database is not available, as this variant may be reported differently in the database. This sequence change replaces leucine, which is neutral and non-polar, with methionine, which is neutral and non-polar, at codon 20 of the ITPA protein (p.Leu20Met).

NM_033453.4(ITPA):c.57_58delinsAA (p.Leu20Met)

Gene: ITPA (inosine triphosphatase; plus strand). Cytogenetic location: 20p13.
Variant type: Indel.
Coding change: c.57_58delinsAA on transcript NM_033453.4 (MANE Select); coding-DNA positions 57 to 58, GC replaced by AA.
Protein change: p.Leu20Met; replaces leucine 20 with methionine.
Molecular consequence: missense variant. On other transcripts: 5 prime UTR variant (1), non-coding transcript variant (1), intron variant (4).
Genome position (GRCh38, 1-based): chr20:3,209,608-3,209,609, GC replaced by AA. VCF-style: chr20-3209608-GC-AA. GRCh37 (hg19) VCF-style: chr20-3190254-GC-AA.
Other names: c.57_58delinsAA (NM_033453.3); c.57_58delinsAA, p.Leu20Met (NM_001267623.2, NM_001324240.2); c.-284_-283delinsAA (NM_001324236.2); c.-272+575_-272+576delinsAA (NM_001324237.2); c.-275+575_-275+576delinsAA (NM_001324238.2); c.15+42_15+43delinsAA (NM_181493.4); c.-275+73_-275+74delinsAA (NM_001351739.2); short protein forms L20M.
Identifiers: ClinVar variation 661793 (VCV000661793.7), dbSNP rs1600488749, ClinGen allele CA915953082.
Genomic context (GRCh38, chr20:3,209,608, plus strand): 5'-CACCATGGCGGCCTCATTGGTGGGGAAGAAGATCGTGTTTGTAACGGGGAACGCCAAGAA[GC>AA]TGGAGGAGGTGCCGGGAGGGTGTTGGGGGCTAACTGGGAGGCGGCTGGGAATAGGGCGGA-3'
Protein context (NP_258412.1, residues 10-30): IVFVTGNAKK[Leu20Met]EEVVQILGDK